The following is an entry in ClinVar:

NM_000796.6(DRD3):c.720G>A (p.Gln240=)

Gene: DRD3 (dopamine receptor D3; minus strand). Cytogenetic location: 3q13.31.
Variant type: single nucleotide variant.
Coding change: c.720G>A on transcript NM_000796.6 (MANE Select); coding-DNA position 720, G replaced by A.
Protein change: p.Gln240=; no amino-acid change (glutamine 240 retained).
Molecular consequence: synonymous variant. On other transcripts: no sequence alteration (2).
Genome position (GRCh38, 1-based): chr3:114,139,503, C>T on the plus strand (G>A on the coding strand, the complement: DRD3 is on the minus strand). VCF-style: chr3-114139503-C-T. GRCh37 (hg19) VCF-style: chr3-113858350-C-T.
Other names: c.720=, p.Gln240= (NM_001282563.2, NM_001290809.1); c.720G>A, p.Gln240= (NM_033663.6).
Identifiers: ClinVar variation 342598 (VCV000342598.6), dbSNP rs2251177, ClinGen allele CA2550540.

ClinVar aggregate classification (germline): Benign. Review status: criteria provided, multiple submitters, no conflicts (2 of 4 stars). 2 submissions from 2 submitters: Benign (2). Last evaluated 2018-01-13.

Conditions:
Tremor, hereditary essential, 1 (ETM1). Also called: Familial essential tremor. Identifiers: MedGen C1860861, MONDO:0008590, OMIM 190300.

Allele frequency attached by ClinVar (database versions not stated): 1000 Genomes Project 30x 0.95456; ESP Exome Variant Server 0.95733; 1000 Genomes Project 0.95787; TOPMed 0.95888; gnomAD 0.96495; gnomAD exomes 0.99487.
gnomAD v4.1: 1,599,599 of 1,613,062 alleles (99%); highest among the groups gnomAD compares: East Asian, 100%; 793,791 homozygotes.

Submissions (2):

Illumina Laboratory Services, Illumina
Classification: Benign for Tremor, hereditary essential, 1. Last evaluated: 2018-01-13. Review status: criteria provided, single submitter. Criteria: ICSL Variant Classification Criteria 13 December 2019. Collection method: clinical testing. Allele origin: germline.
Comment: This variant was observed in the ICSL laboratory as part of a predisposition screen in an ostensibly healthy population. It had not been previously curated by ICSL or reported in the Human Gene Mutation Database (HGMD: prior to June 1st, 2018), and was therefore a candidate for classification through an automated scoring system. Utilizing variant allele frequency, disease prevalence and penetrance estimates, and inheritance mode, an automated score was calculated to assess if this variant is too frequent to cause the disease. Based on the score and internal cut-off values, a variant classified as benign is not then subjected to further curation. The score for this variant resulted in a classification of benign for this disease.

Breakthrough Genomics
Classification: Benign. Review status: criteria provided, single submitter. Criteria: ACMG Guidelines, 2015. Collection method: not provided. Allele origin: germline. Inheritance: Autosomal dominant inheritance. Affected: yes.